The following is an entry in ClinVar:

ClinVar aggregate classification (germline): Uncertain significance (1 of 4 stars; one submission).

Conditions:
Inborn genetic diseases. Identifiers: MedGen C0950123, MeSH D030342.

Submission:

Ambry Genetics
Classification: Uncertain significance for Inborn genetic diseases. Last evaluated: 2026-04-22. Review status: criteria provided, single submitter. Criteria: Ambry Variant Classification Scheme 2023. Collection method: clinical testing. Allele origin: germline.
Comment: The p.P1403H variant (also known as c.4208C>A), located in coding exon 13 of the ASXL1 gene, results from a C to A substitution at nucleotide position 4208. The proline at codon 1403 is replaced by histidine, an amino acid with similar properties. This amino acid position is conserved. In addition, the in silico prediction for this alteration is inconclusive. Based on the available evidence, the clinical significance of this variant remains unclear.

NM_015338.6(ASXL1):c.4208C>A (p.Pro1403His)

Gene: ASXL1 (ASXL transcriptional regulator 1; plus strand). Cytogenetic location: 20q11.21.
Variant type: single nucleotide variant.
Coding change: c.4208C>A on transcript NM_015338.6 (MANE Select); coding-DNA position 4208, C replaced by A.
Protein change: p.Pro1403His; replaces proline 1403 with histidine.
Molecular consequence: missense variant.
Genome position (GRCh38, 1-based): chr20:32,436,920, C>A. VCF-style: chr20-32436920-C-A. GRCh37 (hg19) VCF-style: chr20-31024723-C-A.
Other names: c.4025C>A, p.Pro1342His (NM_001363734.1); short protein forms P1342H, P1403H.
Identifiers: ClinVar variation 4864296 (VCV004864296.1).